The following is an entry in ClinVar:

ClinVar aggregate classification (germline): Conflicting classifications of pathogenicity. Review status: criteria provided, conflicting classifications (1 of 4 stars). 3 submissions from 3 submitters: Likely risk allele (1); Uncertain significance (2). Last evaluated 2023-03-15.

Conditions:
Wolfram syndrome 1 (WFS1). Identifiers: Orphanet 3463, MedGen C4551693, MONDO:0009101, OMIM 222300.

Allele frequency attached by ClinVar (database versions not stated): gnomAD exomes below 0.00001; TOPMed below 0.00001.
gnomAD v4.1: 1 of 1,612,858 alleles (0.000062%); highest among the groups gnomAD compares: Non-Finnish European, 0.000085%; no homozygotes.

Submissions (3):

Blueprint Genetics
Classification: Uncertain significance. Last evaluated: 2023-03-15. Review status: criteria provided, single submitter. Criteria: ACMG Guidelines, 2015. Collection method: clinical testing. Allele origin: germline.

Laboratory for Molecular Medicine, Mass General Brigham Personalized Medicine
Classification: Uncertain significance. Last evaluated: 2014-11-17. Review status: criteria provided, single submitter. Criteria: LMM Criteria. Collection method: clinical testing. Allele origin: germline. Observed: 1 variant allele.
Comment: The p.Cys765Arg variant in WFS1 gene has not been previously reported in individ uals with hearing loss or in large population studies. Computational prediction tools and conservation analysis suggest that this variant may impact the protein , though this information is not predictive enough to determine pathogenicity. I n summary, the clinical significance of the p.Cys765Arg variant is uncertain.

Clinical Genomics, Uppaluri K&H Personalized Medicine Clinic
Classification: Likely risk allele for Wolfram syndrome 1. Review status: criteria provided, single submitter. Criteria: K & H Uppaluri Personalized Medicine Clinic Variant Classification & Assertion Criteria_Updated V.1. Collection method: research. Allele origin: unknown. Inheritance: Autosomal recessive inheritance.
Comment: Potent mutations in WFS1 gene are associated with Wolfram's syndrome, an autosomal recessive condition, which cause diabetes mellitus, diabetes insipidus, deafness and optic atrophy.However no sufficient evidence is found to ascertain the role of this particular variant rs727503752 in Wolfram's syndrome yet.

Literature cited by the submitters: PubMed 20738327 (cited by Clinical Genomics, Uppaluri K&H Personalized Medicine Clinic); PubMed 33879153 (cited by Clinical Genomics, Uppaluri K&H Personalized Medicine Clinic); PubMed 12955714 (cited by Clinical Genomics, Uppaluri K&H Personalized Medicine Clinic); PubMed 18060660 (cited by Clinical Genomics, Uppaluri K&H Personalized Medicine Clinic); PubMed 20301750 (cited by Clinical Genomics, Uppaluri K&H Personalized Medicine Clinic); PubMed 17603484 (cited by Clinical Genomics, Uppaluri K&H Personalized Medicine Clinic).

NM_006005.3(WFS1):c.2293T>C (p.Cys765Arg)

Gene: WFS1 (wolframin ER transmembrane glycoprotein; plus strand). Cytogenetic location: 4p16.1.
Variant type: single nucleotide variant.
Coding change: c.2293T>C on transcript NM_006005.3 (MANE Select); coding-DNA position 2293, T replaced by C.
Protein change: p.Cys765Arg; replaces cysteine 765 with arginine.
Molecular consequence: missense variant.
Genome position (GRCh38, 1-based): chr4:6,302,088, T>C. VCF-style: chr4-6302088-T-C. GRCh37 (hg19) VCF-style: chr4-6303815-T-C.
Other names: c.2293T>C, p.Cys765Arg (NM_001145853.1); short protein forms C765R.
Identifiers: ClinVar variation 166604 (VCV000166604.7), dbSNP rs727503752, ClinGen allele CA179671.